The following is an entry in ClinVar:

ClinVar aggregate classification (germline): Benign (0 of 4 stars; one submission).

Conditions:
CSMD3-related disorder. Also called: CSMD3-related condition.

Allele frequency attached by ClinVar (database versions not stated): gnomAD 0.00081; 1000 Genomes Project 0.03634; gnomAD exomes 0.06427; ExAC 0.13517.

Submissions (2):

PreventionGenetics, part of Exact Sciences
Classification: Benign for CSMD3-related condition. Last evaluated: 2019-02-20. Review status: no assertion criteria provided. Collection method: clinical testing. Allele origin: germline.
Comment: This variant is classified as benign based on ACMG/AMP sequence variant interpretation guidelines (Richards et al. 2015 PMID: 25741868, with internal and published modifications).

Dr. Peter K. Rogan Lab, Western University
No classification provided (evidence only). Condition: Uterine corpus endometrial carcinoma. Review status: no classification provided. Collection method: in vitro. Allele origin: not applicable. Functional consequence: retained intron. Not counted in ClinVar's aggregate classification.

NM_198123.2(CSMD3):c.4896-3del

Gene: CSMD3 (CUB and Sushi multiple domains 3; minus strand). Cytogenetic location: 8q23.3.
Variant type: Deletion.
Coding change: c.4896-3del on transcript NM_198123.2 (MANE Select); 3 bases into the intron before coding-DNA position 4896, one base deleted (C; older notation c.4896-3delC).
Molecular consequence: intron variant.
Genome position (GRCh38, 1-based): chr8:112,503,980, G deleted on the plus strand (C on the coding strand, the reverse complement: CSMD3 is on the minus strand). VCF-style (leftmost placement, unchanged base first): chr8-112503979-TG-T. GRCh37 (hg19) VCF-style: chr8-113516208-TG-T.
Other names: NC_000008.10:g.113516209del; c.4506-3del (NM_001363185.1); c.4584-3del (NM_052900.3); c.4776-3del (NM_198124.2).
Identifiers: ClinVar variation 3060657 (VCV003060657.3), dbSNP rs111461827, ClinGen allele CA4850010.